The following is an entry in ClinVar:

ClinVar aggregate classification (germline): Uncertain significance. Review status: criteria provided, multiple submitters, no conflicts (2 of 4 stars). 2 submissions from 2 submitters: Uncertain significance (2). Last evaluated 2025-08-01.

Allele frequency attached by ClinVar (database versions not stated): gnomAD exomes 0.00003; TOPMed 0.00004; gnomAD 0.00005; ExAC 0.00008; ESP Exome Variant Server 0.00015.

Submissions (2):

Ambry Genetics
Classification: Uncertain significance. Last evaluated: 2025-08-01. Review status: criteria provided, single submitter. Criteria: Ambry Variant Classification Scheme 2023. Collection method: clinical testing. Allele origin: germline.

Labcorp Genetics (formerly Invitae), Labcorp
Classification: Uncertain significance. Last evaluated: 2022-11-21. Review status: criteria provided, single submitter. Criteria: Invitae Variant Classification Sherloc (09022015). Collection method: clinical testing. Allele origin: germline.
Comment: In summary, the available evidence is currently insufficient to determine the role of this variant in disease. Therefore, it has been classified as a Variant of Uncertain Significance. Advanced modeling of protein sequence and biophysical properties (such as structural, functional, and spatial information, amino acid conservation, physicochemical variation, residue mobility, and thermodynamic stability) performed at Invitae indicates that this missense variant is not expected to disrupt TRPC3 protein function. This variant has not been reported in the literature in individuals affected with TRPC3-related conditions. This variant is present in population databases (rs200357045, gnomAD 0.01%). This sequence change replaces isoleucine, which is neutral and non-polar, with valine, which is neutral and non-polar, at codon 629 of the TRPC3 protein (p.Ile629Val).

NM_001130698.2(TRPC3):c.1885A>G (p.Ile629Val)

Gene: TRPC3 (transient receptor potential cation channel subfamily C member 3; minus strand). Cytogenetic location: 4q27.
Variant type: single nucleotide variant.
Coding change: c.1885A>G on transcript NM_001130698.2 (MANE Select); coding-DNA position 1885, A replaced by G.
Protein change: p.Ile629Val; replaces isoleucine 629 with valine.
Molecular consequence: missense variant.
Genome position (GRCh38, 1-based): chr4:121,907,475, T>C on the plus strand (A>G on the coding strand, the complement: TRPC3 is on the minus strand). VCF-style: chr4-121907475-T-C. GRCh37 (hg19) VCF-style: chr4-122828630-T-C.
Other names: c.1885A>G, p.Ile629Val (NM_001366479.2); c.1666A>G, p.Ile556Val (NM_003305.2); c.1885A>G (NM_001130698.1); short protein forms I556V, I629V.
Identifiers: ClinVar variation 2984044 (VCV002984044.4), dbSNP rs200357045, ClinGen allele CA3064851.